The following is an entry in ClinVar:

NM_153365.3(TAPT1):c.73G>A (p.Gly25Ser)

Genes: TAPT1 (transmembrane anterior posterior transformation 1; minus strand), LOC129992296 (ATAC-STARR-seq lymphoblastoid silent region 15304; plus strand). Cytogenetic location: 4p15.32.
Variant type: single nucleotide variant.
Coding change: c.73G>A on transcript NM_153365.3 (MANE Select); coding-DNA position 73, G replaced by A.
Protein change: p.Gly25Ser; replaces glycine 25 with serine.
Molecular consequence: missense variant.
Genome position (GRCh38, 1-based): chr4:16,226,385, C>T on the plus strand (G>A on the coding strand, the complement: TAPT1 is on the minus strand). VCF-style: chr4-16226385-C-T. GRCh37 (hg19) VCF-style: chr4-16228008-C-T.
Other names: short protein forms G25S.
Identifiers: ClinVar variation 1987798 (VCV001987798.1), dbSNP rs1296116106, ClinGen allele CA356490633.

ClinVar aggregate classification (germline): Uncertain significance (1 of 4 stars; one submission).

Allele frequency attached by ClinVar (database versions not stated): gnomAD 0.00006; TOPMed 0.00006; gnomAD exomes 0.00016.
gnomAD v4.1: 163 of 1,101,420 alleles (0.015%); highest among the groups gnomAD compares: Non-Finnish European, 0.017%; no homozygotes.

Submission:

Labcorp Genetics (formerly Invitae), Labcorp
Classification: Uncertain significance. Last evaluated: 2022-07-15. Review status: criteria provided, single submitter. Criteria: Invitae Variant Classification Sherloc (09022015). Collection method: clinical testing. Allele origin: germline.
Comment: This sequence change replaces glycine, which is neutral and non-polar, with serine, which is neutral and polar, at codon 25 of the TAPT1 protein (p.Gly25Ser). This variant is present in population databases (no rsID available, gnomAD 0.01%). This variant has not been reported in the literature in individuals affected with TAPT1-related conditions. Algorithms developed to predict the effect of missense changes on protein structure and function are either unavailable or do not agree on the potential impact of this missense change (SIFT: "Tolerated"; PolyPhen-2: "Not Available"; Align-GVGD: "Class C0"). In summary, the available evidence is currently insufficient to determine the role of this variant in disease. Therefore, it has been classified as a Variant of Uncertain Significance.